The following is an entry in ClinVar:

NM_004380.3(CREBBP):c.1663del (p.Leu555fs)

Gene: CREBBP (CREB binding lysine acetyltransferase; minus strand). Cytogenetic location: 16p13.3.
Variant type: Deletion.
Coding change: c.1663del on transcript NM_004380.3 (MANE Select); coding-DNA position 1663, one base deleted (C; older notation c.1663delC).
Protein change: p.Leu555fs; shifts the reading frame from leucine 555.
Molecular consequence: frameshift variant.
Genome position (GRCh38, 1-based): chr16:3,781,217, G deleted on the plus strand (C on the coding strand, the reverse complement: CREBBP is on the minus strand); the first of 3 consecutive G bases (chr16:3,781,217-3,781,219); deleting any one gives the same sequence. VCF-style (leftmost placement, unchanged base first): chr16-3781216-AG-A. GRCh37 (hg19) VCF-style: chr16-3831217-AG-A.
Other names: c.1549del, p.Leu517fs (NM_001079846.1); short protein forms L517fs, L555fs.
Identifiers: ClinVar variation 947511 (VCV000947511.7), dbSNP rs2053266530, ClinGen allele CA1139664458.

ClinVar aggregate classification (germline): Pathogenic (1 of 4 stars; one submission).

Conditions:
Rubinstein-Taybi syndrome (RSTS). Identifiers: Orphanet 783, MedGen C0035934, MONDO:0019188.

Submission:

Labcorp Genetics (formerly Invitae), Labcorp
Classification: Pathogenic for Rubinstein-Taybi syndrome. Last evaluated: 2019-06-24. Review status: criteria provided, single submitter. Criteria: Invitae Variant Classification Sherloc (09022015). Collection method: clinical testing. Allele origin: germline.
Comment: For these reasons, this variant has been classified as Pathogenic. Loss-of-function variants in CREBBP are known to be pathogenic (PMID: 17052327, 18792986). This variant has not been reported in the literature in individuals with CREBBP-related conditions. This variant is not present in population databases (ExAC no frequency). This sequence change creates a premature translational stop signal (p.Leu555Trpfs*7) in the CREBBP gene. It is expected to result in an absent or disrupted protein product.

Literature cited by the submitters: PubMed 17052327; PubMed 18792986.